The following is an entry in ClinVar:

ClinVar aggregate classification (germline): Conflicting classifications of pathogenicity. Review status: criteria provided, conflicting classifications (1 of 4 stars). 2 submissions from 2 submitters: Uncertain significance (1); Likely benign (1). Last evaluated 2024-11-11.

Conditions:
Inborn genetic diseases. Identifiers: MedGen C0950123, MeSH D030342.
Ellis-van Creveld syndrome (EVC). Also called: MESOECTODERMAL DYSPLASIA; Chondroectodermal dysplasia; EVC-Related Ellis-van Creveld Syndrome; EVC2-Related Ellis-van Creveld Syndrome. Identifiers: Orphanet 289, MedGen C0013903, MONDO:0009162, OMIM 225500.
Curry-Hall syndrome (WAD). Also called: WEYERS ACRODENTAL DYSOSTOSIS. Identifiers: Orphanet 952, MedGen C0457013, MONDO:0008673, OMIM 193530.

Allele frequency attached by ClinVar (database versions not stated): ExAC 0.00001.
gnomAD v4.1: 11 of 1,612,076 alleles (0.00068%); highest among the groups gnomAD compares: African/African-American, 0.0027%; no homozygotes.

Submissions (2):

Labcorp Genetics (formerly Invitae), Labcorp
Classification: Uncertain significance for Curry-Hall syndrome; Ellis-van Creveld syndrome. Last evaluated: 2024-11-11. Review status: criteria provided, single submitter. Criteria: Invitae Variant Classification Sherloc (09022015). Collection method: clinical testing. Allele origin: germline.
Comment: This sequence change replaces glutamine, which is neutral and polar, with histidine, which is basic and polar, at codon 1034 of the EVC2 protein (p.Gln1034His). This variant is present in population databases (rs377393052, gnomAD 0.0009%). This variant has not been reported in the literature in individuals affected with EVC2-related conditions. ClinVar contains an entry for this variant (Variation ID: 2159858). An algorithm developed to predict the effect of missense changes on protein structure and function outputs the following: PolyPhen-2: "Benign". The histidine amino acid residue is found in multiple mammalian species, which suggests that this missense change does not adversely affect protein function. In summary, the available evidence is currently insufficient to determine the role of this variant in disease. Therefore, it has been classified as a Variant of Uncertain Significance.

Ambry Genetics
Classification: Likely benign for Inborn genetic diseases. Last evaluated: 2023-03-02. Review status: criteria provided, single submitter. Criteria: Ambry Variant Classification Scheme 2023. Collection method: clinical testing. Allele origin: germline.

NM_147127.5(EVC2):c.3102G>T (p.Gln1034His)

Gene: EVC2 (EvC ciliary complex subunit 2; minus strand). Cytogenetic location: 4p16.2.
Variant type: single nucleotide variant.
Coding change: c.3102G>T on transcript NM_147127.5 (MANE Select); coding-DNA position 3102, G replaced by T.
Protein change: p.Gln1034His; replaces glutamine 1034 with histidine.
Molecular consequence: missense variant.
Genome position (GRCh38, 1-based): chr4:5,576,410, C>A on the plus strand (G>T on the coding strand, the complement: EVC2 is on the minus strand). VCF-style: chr4-5576410-C-A. GRCh37 (hg19) VCF-style: chr4-5578137-C-A.
Other names: c.3102G>T (NM_147127.4); c.2862G>T, p.Gln954His (NM_001166136.2); short protein forms Q954H, Q1034H.
Identifiers: ClinVar variation 2159858 (VCV002159858.3), dbSNP rs377393052, ClinGen allele CA2834445.